The following is an entry in ClinVar:

NM_020738.4(KIDINS220):c.3839A>G (p.Glu1280Gly)

Gene: KIDINS220 (kinase D interacting substrate 220; minus strand). Cytogenetic location: 2p25.1.
Variant type: single nucleotide variant.
Coding change: c.3839A>G on transcript NM_020738.4 (MANE Select); coding-DNA position 3839, A replaced by G.
Protein change: p.Glu1280Gly; replaces glutamic acid 1280 with glycine.
Molecular consequence: missense variant. On other transcripts: non-coding transcript variant (2).
Genome position (GRCh38, 1-based): chr2:8,733,658, T>C on the plus strand (A>G on the coding strand, the complement: KIDINS220 is on the minus strand). VCF-style: chr2-8733658-T-C. GRCh37 (hg19) VCF-style: chr2-8873788-T-C.
Other names: c.3842A>G, p.Glu1281Gly (NM_001348729.2); c.3785A>G, p.Glu1262Gly (NM_001348731.2); c.3782A>G, p.Glu1261Gly (NM_001348732.2, NM_001348738.2); c.3671A>G, p.Glu1224Gly (NM_001348734.2, NM_001348739.2, NM_001348740.2); c.3668A>G, p.Glu1223Gly (NM_001348735.2, NM_001348741.2, NM_001348742.2 and 1 more transcripts); c.3542A>G, p.Glu1181Gly (NM_001348736.2); short protein forms E1181G, E1223G, E1224G, E1261G, E1262G, E1280G, E1281G.
Identifiers: ClinVar variation 3351176 (VCV003351176.1).

ClinVar aggregate classification (germline): Uncertain significance (0 of 4 stars; one submission).

Conditions:
KIDINS220-related disorder. Also called: KIDINS220-related condition.

gnomAD v4.1: 2 of 1,581,610 alleles (0.00013%); highest among the groups gnomAD compares: Non-Finnish European, 0.00017%; no homozygotes.

Submission:

PreventionGenetics, part of Exact Sciences
Classification: Uncertain significance for KIDINS220-related condition. Last evaluated: 2024-09-06. Review status: no assertion criteria provided. Collection method: clinical testing. Allele origin: germline.
Comment: The KIDINS220 c.3839A>G variant is predicted to result in the amino acid substitution p.Glu1280Gly. To our knowledge, this variant has not been reported in the literature or in a large population database, indicating this variant is rare. At this time, the clinical significance of this variant is uncertain due to the absence of conclusive functional and genetic evidence.